The following is an entry in ClinVar:

NM_001001331.4(ATP2B2):c.*2T>C

Gene: ATP2B2 (ATPase plasma membrane Ca2+ transporting 2; minus strand). Cytogenetic location: 3p25.3.
Variant type: single nucleotide variant.
Coding change: c.*2T>C on transcript NM_001001331.4 (MANE Select); 2 bases downstream of the stop codon, T replaced by C.
Molecular consequence: 3 prime UTR variant.
Genome position (GRCh38, 1-based): chr3:10,328,812, A>G on the plus strand (T>C on the coding strand, the complement: ATP2B2 is on the minus strand). VCF-style: chr3-10328812-A-G. GRCh37 (hg19) VCF-style: chr3-10370496-A-G.
Other names: c.*2T>C (NM_001353564.1, NM_001683.5); c.*288T>C (NM_001363862.1); c.*361T>C (NM_001330611.3).
Identifiers: ClinVar variation 3351992 (VCV003351992.1).

ClinVar aggregate classification (germline): Likely benign (0 of 4 stars; one submission).

Conditions:
ATP2B2-related disorder. Also called: ATP2B2-related condition.

Submission:

PreventionGenetics, part of Exact Sciences
Classification: Likely benign for ATP2B2-related condition. Last evaluated: 2020-08-10. Review status: no assertion criteria provided. Collection method: clinical testing. Allele origin: germline.
Comment: This variant is classified as likely benign based on ACMG/AMP sequence variant interpretation guidelines (Richards et al. 2015 PMID: 25741868, with internal and published modifications).